The following is an entry in ClinVar:

NM_003482.4(KMT2D):c.9299C>G (p.Pro3100Arg)

Gene: KMT2D (lysine methyltransferase 2D; minus strand). Cytogenetic location: 12q13.12.
Variant type: single nucleotide variant.
Coding change: c.9299C>G on transcript NM_003482.4 (MANE Select); coding-DNA position 9299, C replaced by G.
Protein change: p.Pro3100Arg; replaces proline 3100 with arginine.
Molecular consequence: missense variant.
Genome position (GRCh38, 1-based): chr12:49,038,057, G>C on the plus strand (C>G on the coding strand, the complement: KMT2D is on the minus strand). VCF-style: chr12-49038057-G-C. GRCh37 (hg19) VCF-style: chr12-49431840-G-C.
Other names: short protein forms P3100R.
Identifiers: ClinVar variation 2904598 (VCV002904598.3), dbSNP rs2120489810, ClinGen allele CA384738915.

ClinVar aggregate classification (germline): Uncertain significance (1 of 4 stars; one submission).

Conditions:
Kabuki syndrome. Also called: Kabuki make-up syndrome; NIIKAWA-KUROKI SYNDROME. Identifiers: Orphanet 2322, MedGen C0796004, MONDO:0016512.

Submission:

Labcorp Genetics (formerly Invitae), Labcorp
Classification: Uncertain significance for Kabuki syndrome. Last evaluated: 2025-11-19. Review status: criteria provided, single submitter. Criteria: Invitae Variant Classification Sherloc (09022015). Collection method: clinical testing. Allele origin: germline.
Comment: This sequence change replaces proline, which is neutral and non-polar, with arginine, which is basic and polar, at codon 3100 of the KMT2D protein (p.Pro3100Arg). This variant is not present in population databases (gnomAD no frequency). This variant has not been reported in the literature in individuals affected with KMT2D-related conditions. ClinVar contains an entry for this variant (Variation ID: 2904598). Invitae Evidence Modeling of protein sequence and biophysical properties (such as structural, functional, and spatial information, amino acid conservation, physicochemical variation, residue mobility, and thermodynamic stability) indicates that this missense variant is not expected to disrupt KMT2D protein function with a negative predictive value of 95%. In summary, the available evidence is currently insufficient to determine the role of this variant in disease. Therefore, it has been classified as a Variant of Uncertain Significance.